The following is an entry in ClinVar:

ClinVar aggregate classification (germline): Uncertain significance (1 of 4 stars; one submission).

Conditions:
Hereditary antithrombin deficiency (AT3D). Also called: Antithrombin deficiency; Thrombophilia due to antithrombin III deficiency; Antithrombin III deficiency; Reduced antithrombin III activity. Identifiers: Orphanet 82, MedGen C0272375, MONDO:0013144, OMIM 613118, HP:0001976.

gnomAD v4.1: 1 of 1,614,202 alleles (0.000062%); highest among the groups gnomAD compares: African/African-American, 0.0013%; no homozygotes.

Submission:

Labcorp Genetics (formerly Invitae), Labcorp
Classification: Uncertain significance for Hereditary antithrombin deficiency. Last evaluated: 2025-12-06. Review status: criteria provided, single submitter. Criteria: Invitae Variant Classification Sherloc (09022015). Collection method: clinical testing. Allele origin: germline.
Comment: This sequence change replaces glutamic acid, which is acidic and polar, with valine, which is neutral and non-polar, at codon 69 of the SERPINC1 protein (p.Glu69Val). This variant is not present in population databases (gnomAD no frequency). This variant has not been reported in the literature in individuals affected with SERPINC1-related conditions. An algorithm developed to predict the effect of missense changes on protein structure and function outputs the following: PolyPhen-2: "Benign". The valine amino acid residue is found in multiple mammalian species, which suggests that this missense change does not adversely affect protein function. In summary, the available evidence is currently insufficient to determine the role of this variant in disease. Therefore, it has been classified as a Variant of Uncertain Significance.

NM_000488.4(SERPINC1):c.206A>T (p.Glu69Val)

Gene: SERPINC1 (serpin family C member 1; minus strand). Cytogenetic location: 1q25.1.
Variant type: single nucleotide variant.
Coding change: c.206A>T on transcript NM_000488.4 (MANE Select); coding-DNA position 206, A replaced by T.
Protein change: p.Glu69Val; replaces glutamic acid 69 with valine.
Molecular consequence: missense variant.
Genome position (GRCh38, 1-based): chr1:173,914,755, T>A on the plus strand (A>T on the coding strand, the complement: SERPINC1 is on the minus strand). VCF-style: chr1-173914755-T-A. GRCh37 (hg19) VCF-style: chr1-173883893-T-A.
Other names: c.62A>T, p.Glu21Val (NM_001365052.2); c.206A>T, p.Glu69Val (NM_001386302.1, NM_001386304.1, NM_001386305.1 and 1 more transcripts); c.287A>T, p.Glu96Val (NM_001386303.1); short protein forms E21V, E96V, E69V.
Identifiers: ClinVar variation 4738139 (VCV004738139.1).